The following is an entry in ClinVar:

ClinVar aggregate classification (germline): Uncertain significance (1 of 4 stars; one submission).

Submission:

Dasa
Classification: Uncertain significance. Last evaluated: 2024-12-19. Review status: criteria provided, single submitter. Criteria: DASA Assertion Criteria. Collection method: clinical testing. Allele origin: germline.
Comment: NM_002471.4(MYH6):c.5661+4A>G is a splice-region variant predicted to affect normal RNA splicing. This variant is absent from population databases. The currently available literature and clinical evidence are not sufficient to establish a definitive association between this variant and the reported condition. Therefore, this variant is classified as a variant of uncertain significance.

NM_002471.4(MYH6):c.5661+4A>G

Gene: MYH6 (myosin heavy chain 6; minus strand). Cytogenetic location: 14q11.2.
Variant type: single nucleotide variant.
Coding change: c.5661+4A>G on transcript NM_002471.4 (MANE Select); 4 bases into the intron after coding-DNA position 5661, A replaced by G.
Molecular consequence: intron variant.
Genome position (GRCh38, 1-based): chr14:23,383,221, T>C on the plus strand (A>G on the coding strand, the complement: MYH6 is on the minus strand). VCF-style: chr14-23383221-T-C. GRCh37 (hg19) VCF-style: chr14-23852430-T-C.
Identifiers: ClinVar variation 4885791 (VCV004885791.2).